The following is an entry in ClinVar:

ClinVar aggregate classification (germline): Uncertain significance (1 of 4 stars; one submission).

Allele frequency attached by ClinVar (database versions not stated): gnomAD 0.00002; TOPMed 0.00003; ExAC 0.00004.

Submission:

Labcorp Genetics (formerly Invitae), Labcorp
Classification: Uncertain significance. Last evaluated: 2022-08-02. Review status: criteria provided, single submitter. Criteria: Invitae Variant Classification Sherloc (09022015). Collection method: clinical testing. Allele origin: germline.
Comment: This sequence change replaces glutamic acid, which is acidic and polar, with lysine, which is basic and polar, at codon 52 of the PCLO protein (p.Glu52Lys). This variant is present in population databases (rs780065242, gnomAD 0.02%). This variant has not been reported in the literature in individuals affected with PCLO-related conditions. Algorithms developed to predict the effect of missense changes on protein structure and function are either unavailable or do not agree on the potential impact of this missense change (SIFT: "Tolerated"; PolyPhen-2: "Not Available"; Align-GVGD: "Class C0"). In summary, the available evidence is currently insufficient to determine the role of this variant in disease. Therefore, it has been classified as a Variant of Uncertain Significance.

NM_033026.6(PCLO):c.154G>A (p.Glu52Lys)

Gene: PCLO (piccolo presynaptic cytomatrix protein; minus strand). Cytogenetic location: 7q21.11.
Variant type: single nucleotide variant.
Coding change: c.154G>A on transcript NM_033026.6 (MANE Select); coding-DNA position 154, G replaced by A.
Protein change: p.Glu52Lys; replaces glutamic acid 52 with lysine.
Molecular consequence: missense variant.
Genome position (GRCh38, 1-based): chr7:83,162,439, C>T on the plus strand (G>A on the coding strand, the complement: PCLO is on the minus strand). VCF-style: chr7-83162439-C-T. GRCh37 (hg19) VCF-style: chr7-82791755-C-T.
Other names: c.154G>A, p.Glu52Lys (NM_014510.3); short protein forms E52K.
Identifiers: ClinVar variation 2428294 (VCV002428294.3), dbSNP rs780065242, ClinGen allele CA4321743.